The following is an entry in ClinVar:

ClinVar aggregate classification (germline): Conflicting classifications of pathogenicity. Review status: criteria provided, conflicting classifications (1 of 4 stars). 3 submissions from 2 submitters: Uncertain significance (1); Likely benign (2). Last evaluated 2025-01-06.

Conditions:
Retinitis pigmentosa (RP). Identifiers: Orphanet 791, MedGen C0035334, MeSH D012174, MONDO:0019200, OMIM 268000. Inheritance: Autosomal dominant, autosomal recessive and X linked inheritance.
Congenital stationary night blindness autosomal dominant 2. Also called: NIGHT BLINDNESS, CONGENITAL STATIONARY, RAMBUSCH TYPE. Identifiers: Orphanet 215, MedGen C1876182, MONDO:0008099, OMIM 163500.

Allele frequency attached by ClinVar (database versions not stated): gnomAD exomes 0.00002; TOPMed 0.00002; ExAC 0.00003; gnomAD 0.00003.

Submissions (3):

Labcorp Genetics (formerly Invitae), Labcorp
Classification: Likely benign. Last evaluated: 2025-01-06. Review status: criteria provided, single submitter. Criteria: Invitae Variant Classification Sherloc (09022015). Collection method: clinical testing. Allele origin: germline.

Illumina Laboratory Services, Illumina
Classification: Likely benign for Congenital stationary night blindness autosomal dominant 2. Last evaluated: 2018-01-13. Review status: criteria provided, single submitter. Criteria: ICSL Variant Classification Criteria 13 December 2019. Collection method: clinical testing. Allele origin: germline.
Comment: This variant was observed in the ICSL laboratory as part of a predisposition screen in an ostensibly healthy population. It had not been previously curated by ICSL or reported in the Human Gene Mutation Database (HGMD: prior to June 1st, 2018), and was therefore a candidate for classification through an automated scoring system. Utilizing variant allele frequency, disease prevalence and penetrance estimates, and inheritance mode, an automated score was calculated to assess if this variant is too frequent to cause the disease. Based on the score and internal cut-off values, a variant classified as likely benign is not then subjected to further curation. The score for this variant resulted in a classification of likely benign for this disease.

Illumina Laboratory Services, Illumina
Classification: Uncertain significance for Retinitis pigmentosa. Last evaluated: 2018-01-13. Review status: criteria provided, single submitter. Criteria: ICSL Variant Classification Criteria 13 December 2019. Collection method: clinical testing. Allele origin: germline.

NM_000283.4(PDE6B):c.285C>T (p.Phe95=)

Gene: PDE6B (phosphodiesterase 6B; plus strand). Cytogenetic location: 4p16.3.
Variant type: single nucleotide variant.
Coding change: c.285C>T on transcript NM_000283.4 (MANE Select); coding-DNA position 285, C replaced by T.
Protein change: p.Phe95=; no amino-acid change (phenylalanine 95 retained).
Molecular consequence: synonymous variant.
Genome position (GRCh38, 1-based): chr4:625,911, C>T. VCF-style: chr4-625911-C-T. GRCh37 (hg19) VCF-style: chr4-619700-C-T.
Other names: c.285C>T, p.Phe95= (NM_001145291.2).
Identifiers: ClinVar variation 903743 (VCV000903743.12), dbSNP rs746211772, ClinGen allele CA2793898.